The following is an entry in ClinVar:

NM_000222.3(KIT):c.2484C>T (p.Asn828=)

Gene: KIT (KIT proto-oncogene, receptor tyrosine kinase; plus strand). Cytogenetic location: 4q12.
Variant type: single nucleotide variant.
Coding change: c.2484C>T on transcript NM_000222.3 (MANE Select); coding-DNA position 2484, C replaced by T.
Protein change: p.Asn828=; no amino-acid change (asparagine 828 retained).
Molecular consequence: synonymous variant.
Genome position (GRCh38, 1-based): chr4:54,733,192, C>T. VCF-style: chr4-54733192-C-T. GRCh37 (hg19) VCF-style: chr4-55599358-C-T.
Other names: c.2472C>T, p.Asn824= (NM_001093772.2, NM_001385292.1); c.2487C>T, p.Asn829= (NM_001385284.1); c.2481C>T, p.Asn827= (NM_001385285.1); c.2469C>T, p.Asn823= (NM_001385286.1); c.2475C>T, p.Asn825= (NM_001385288.1); c.2484C>T, p.Asn828= (NM_001385290.1).
Identifiers: ClinVar variation 237263 (VCV000237263.44), dbSNP rs141347955, ClinGen allele CA2923774.

ClinVar aggregate classification (germline): Conflicting classifications of pathogenicity. Review status: criteria provided, conflicting classifications (1 of 4 stars). 9 submissions from 7 submitters: Uncertain significance (3); Likely benign (5). 1 of the submissions does not count toward it. Last evaluated 2026-06-01.

Conditions:
KIT-related disorder. Also called: KIT-related condition.
Mastocytosis. Also called: Mast Cell Disease. Identifiers: Orphanet 98292, MedGen C0024899, MONDO:0007950, HP:0100495.
Hereditary cancer-predisposing syndrome. Also called: Tumor predisposition; Hereditary Cancer Syndrome; Neoplastic Syndromes, Hereditary; Hereditary neoplastic syndrome. Identifiers: Orphanet 140162, MedGen C0027672, MeSH D009386, MONDO:0015356.
Gastrointestinal stromal tumor. Also called: Gastrointestinal stromal tumor, somatic; Gastrointestinal stroma tumor. Identifiers: Orphanet 44890, MedGen C0238198, MeSH D046152, MONDO:0011719, OMIM 606764, HP:0100723.
Piebaldism. Also called: Piebald skin depigmentation. Identifiers: Orphanet 2884, MedGen C0080024, MONDO:0008244, OMIM 172800, HP:0007544.

Allele frequency attached by ClinVar (database versions not stated): ExAC 0.00006; gnomAD exomes 0.00010 and 0.00012; ESP Exome Variant Server 0.00015; gnomAD 0.00015 and 0.00016; TOPMed 0.00017.
gnomAD v4.1: 193 of 1,612,030 alleles (0.012%); highest among the groups gnomAD compares: Admixed American, 0.032%; no homozygotes.

Submissions (9):

CeGaT Center for Human Genetics Tuebingen
Classification: Likely benign. Last evaluated: 2026-06-01. Review status: criteria provided, single submitter. Criteria: CeGaT Center For Human Genetics Tuebingen Variant Classification Criteria Version 2. Collection method: clinical testing. Allele origin: germline. Affected: yes. Observed: 3 variant alleles.
Comment: KIT: BP4, BP7

Myriad Genetics, Inc.
Classification: Likely benign for Gastrointestinal stromal tumor. Last evaluated: 2026-06-01. Review status: criteria provided, single submitter. Criteria: Myriad Autosomal Dominant, Autosomal Recessive and X-Linked Classification Criteria (2023). Collection method: clinical testing. Allele origin: unknown.
Comment: This variant is considered likely benign. This variant has been observed at a population frequency that is significantly greater than expected given the associated disease prevalence and penetrance.

Labcorp Genetics (formerly Invitae), Labcorp
Classification: Likely benign for Gastrointestinal stromal tumor. Last evaluated: 2026-01-20. Review status: criteria provided, single submitter. Criteria: Invitae Variant Classification Sherloc (09022015). Collection method: clinical testing. Allele origin: germline.

PreventionGenetics, part of Exact Sciences
Classification: Likely benign for KIT-related condition. Last evaluated: 2025-12-30. Review status: criteria provided, single submitter. Criteria: ACMG Guidelines, 2015. Collection method: clinical testing. Allele origin: germline.
Comment: This variant is classified as likely benign based on ACMG/AMP sequence variant interpretation guidelines (Richards et al. 2015 PMID: 25741868, with internal and published modifications).

Ambry Genetics
Classification: Likely benign for Hereditary cancer-predisposing syndrome. Last evaluated: 2019-02-18. Review status: criteria provided, single submitter. Criteria: Ambry Variant Classification Scheme 2023. Collection method: clinical testing. Allele origin: germline.

Illumina Laboratory Services, Illumina
Classification: Uncertain significance for Piebaldism. Last evaluated: 2017-04-28. Review status: criteria provided, single submitter. Criteria: ICSL Variant Classification Criteria 13 December 2019. Collection method: clinical testing. Allele origin: germline.

Illumina Laboratory Services, Illumina
Classification: Uncertain significance for Cutaneous mastocytosis. Last evaluated: 2017-04-28. Review status: criteria provided, single submitter. Criteria: ICSL Variant Classification Criteria 13 December 2019. Collection method: clinical testing. Allele origin: germline.
Comment: This variant was observed as part of a predisposition screen in an ostensibly healthy population. A literature search was performed for the gene, cDNA change, and amino acid change (where applicable). Publications were found based on this search. However, the evidence from the literature, in combination with allele frequency data from public databases where available, was not sufficient to rule this variant in or out of causing disease. Therefore, this variant is classified as a variant of unknown significance.

Illumina Laboratory Services, Illumina
Classification: Uncertain significance for Gastrointestinal stromal tumor. Last evaluated: 2017-04-28. Review status: criteria provided, single submitter. Criteria: ICSL Variant Classification Criteria 13 December 2019. Collection method: clinical testing. Allele origin: germline.

Genetic Services Laboratory, University of Chicago
Classification: Likely benign. Last evaluated: 2022-05-18. Review status: no assertion criteria provided. Collection method: clinical testing. Allele origin: germline. Affected: no. Not counted in ClinVar's aggregate classification.

Literature cited by the submitters: PubMed 26158763 (cited by Illumina Laboratory Services, Illumina).